The following is an entry in ClinVar:

NM_004629.2(FANCG):c.1158del (p.Ser387fs)

Gene: FANCG (FA complementation group G; minus strand). Cytogenetic location: 9p13.3.
Variant type: Deletion.
Coding change: c.1158del on transcript NM_004629.2 (MANE Select); coding-DNA position 1158, one base deleted (C; older notation c.1158delC).
Protein change: p.Ser387fs; shifts the reading frame from serine 387.
Molecular consequence: frameshift variant.
Genome position (GRCh38, 1-based): chr9:35,075,740, G deleted on the plus strand (C on the coding strand, the reverse complement: FANCG is on the minus strand); the first of 6 consecutive G bases (chr9:35,075,740-35,075,745); deleting any one gives the same sequence. VCF-style (leftmost placement, unchanged base first): chr9-35075739-AG-A. GRCh37 (hg19) VCF-style: chr9-35075736-AG-A.
Other names: c.1158delC (NM_004629.1); short protein forms S387fs.
Identifiers: ClinVar variation 619961 (VCV000619961.10), dbSNP rs757418016, ClinGen allele CA5039804.

ClinVar aggregate classification (germline): Pathogenic/Likely pathogenic. Review status: criteria provided, multiple submitters, no conflicts (2 of 4 stars). 5 submissions from 5 submitters: Pathogenic (3); Likely pathogenic (1). 1 of the submissions does not count toward it. Last evaluated 2022-07-30.

Conditions:
Fanconi anemia (FA). Also called: Fanconi's anemia. Identifiers: Orphanet 84, MedGen C0015625, MeSH D005199, MONDO:0019391.
Fanconi anemia complementation group G. Also called: Fanconi anemia group G; FANCG-Related Fanconi Anemia. Identifiers: Orphanet 84, MedGen C3469527, MONDO:0013565, OMIM 614082.

Submissions (5):

Baylor Genetics
Classification: Pathogenic for Fanconi anemia complementation group G. Last evaluated: 2022-07-30. Review status: criteria provided, single submitter. Criteria: ACMG Guidelines, 2015. Collection method: clinical testing. Allele origin: unknown.

Labcorp Genetics (formerly Invitae), Labcorp
Classification: Pathogenic for Fanconi anemia. Last evaluated: 2021-06-21. Review status: criteria provided, single submitter. Criteria: Invitae Variant Classification Sherloc (09022015). Collection method: clinical testing. Allele origin: germline.
Comment: This premature translational stop signal has been observed in individual(s) with clinical features of Fanconi anemia (PMID: 28717661). This sequence change creates a premature translational stop signal (p.Ser387Profs*16) in the FANCG gene. It is expected to result in an absent or disrupted protein product. Loss-of-function variants in FANCG are known to be pathogenic (PMID: 12552564). The frequency data for this variant in the population databases is considered unreliable, as metrics indicate poor data quality at this position in the ExAC database. ClinVar contains an entry for this variant (Variation ID: 619961). For these reasons, this variant has been classified as Pathogenic.

GeneDx
Classification: Likely pathogenic. Last evaluated: 2019-11-15. Review status: criteria provided, single submitter. Criteria: GeneDx Variant Classification Process June 2021. Collection method: clinical testing. Allele origin: germline. Affected: yes.
Comment: Identified in the heterozygous state in an individual with Fanconi anemia, although it is unclear if this individual harbored a second variant in FANCG (Pilonetto et al., 2017); Frameshift variant predicted to result in protein truncation or nonsense mediated decay in a gene for which loss-of-function is a known mechanism of disease; This variant is associated with the following publications: (PMID: 28717661, 24763404)

Molecular Diagnostics Laboratory, M Health Fairview: University of Minnesota
Classification: Pathogenic for Fanconi anemia complementation group G. Last evaluated: 2017-03-31. Review status: criteria provided, single submitter. Criteria: ACMG Guidelines, 2015. Collection method: clinical testing. Allele origin: germline. Affected: yes. Observed: 1 variant allele.

Leiden Open Variation Database
Classification: Pathogenic for Fanconi anemia complementation group G. Last evaluated: 2020-02-28. Review status: no assertion criteria provided. Collection method: curation. Allele origin: germline. Affected: yes. Not counted in ClinVar's aggregate classification.
Comment: Curator: Arleen D. Auerbach. Submitters to LOVD: Arleen D. Auerbach, Daniela Pilonetto.

Literature cited by the submitters: PubMed 28717661 (cited by Labcorp Genetics (formerly Invitae), Labcorp); PubMed 12552564 (cited by Labcorp Genetics (formerly Invitae), Labcorp); PubMed 24763404 (cited by Molecular Diagnostics Laboratory, M Health Fairview: University of Minnesota).